The following is an entry in ClinVar:

ClinVar aggregate classification (germline): Uncertain significance (1 of 4 stars; one submission).

Allele frequency attached by ClinVar (database versions not stated): gnomAD exomes 0.00001.

Submission:

Labcorp Genetics (formerly Invitae), Labcorp
Classification: Uncertain significance. Last evaluated: 2022-07-24. Review status: criteria provided, single submitter. Criteria: Invitae Variant Classification Sherloc (09022015). Collection method: clinical testing. Allele origin: germline.
Comment: In summary, the available evidence is currently insufficient to determine the role of this variant in disease. Therefore, it has been classified as a Variant of Uncertain Significance. Algorithms developed to predict the effect of missense changes on protein structure and function are either unavailable or do not agree on the potential impact of this missense change (SIFT: "Deleterious"; PolyPhen-2: "Probably Damaging"; Align-GVGD: "Class C0"). ClinVar contains an entry for this variant (Variation ID: 1444283). This variant has not been reported in the literature in individuals affected with POLR3A-related conditions. This variant is not present in population databases (gnomAD no frequency). This sequence change replaces arginine, which is basic and polar, with glutamine, which is neutral and polar, at codon 437 of the POLR3A protein (p.Arg437Gln).

NM_007055.4(POLR3A):c.1310G>A (p.Arg437Gln)

Gene: POLR3A (RNA polymerase III subunit A; minus strand). Cytogenetic location: 10q22.3.
Variant type: single nucleotide variant.
Coding change: c.1310G>A on transcript NM_007055.4 (MANE Select); coding-DNA position 1310, G replaced by A.
Protein change: p.Arg437Gln; replaces arginine 437 with glutamine.
Molecular consequence: missense variant.
Genome position (GRCh38, 1-based): chr10:78,017,696, C>T on the plus strand (G>A on the coding strand, the complement: POLR3A is on the minus strand). VCF-style: chr10-78017696-C-T. GRCh37 (hg19) VCF-style: chr10-79777454-C-T.
Other names: short protein forms R437Q.
Identifiers: ClinVar variation 1444283 (VCV001444283.8), dbSNP rs1847538345, ClinGen allele CA377343196.